The following is an entry in ClinVar:

NM_033380.3(COL4A5):c.1808G>T (p.Gly603Val)

Gene: COL4A5 (collagen type IV alpha 5 chain; plus strand). Cytogenetic location: Xq22.3.
Variant type: single nucleotide variant.
Coding change: c.1808G>T on transcript NM_033380.3 (MANE Select); coding-DNA position 1808, G replaced by T.
Protein change: p.Gly603Val; replaces glycine 603 with valine.
Molecular consequence: missense variant.
Genome position (GRCh38, 1-based): chrX:108,598,730, G>T. VCF-style: chrX-108598730-G-T. GRCh37 (hg19) VCF-style: chrX-107841960-G-T.
Other names: c.1808G>T, p.Gly603Val (NM_000495.5); short protein forms G603V.
Identifiers: ClinVar variation 1703357 (VCV001703357.3), dbSNP rs104886133, ClinGen allele CA258549.
Genomic context (GRCh38, chrX:108,598,730, plus strand): 5'-TATGTTTCTGTATTAAACTTTTCCCTTTTTAGGGTGGAATTACTTTTAAGGGTGAAAGAG[G>T]TCCCCCTGGGAACCCAGGTTTACCAGGCCTCCCAGGGAATATAGGGCCTATGGGTCCCCC-3'
Protein context (NP_203699.1, residues 593-613): PGGITFKGER[Gly603Val]PPGNPGLPGL

ClinVar aggregate classification (germline): Pathogenic. Review status: criteria provided, multiple submitters, no conflicts (2 of 4 stars). 2 submissions from 2 submitters: Pathogenic (2). Last evaluated 2025-07-31.

Conditions:
X-linked Alport syndrome (ATS1). Also called: NEPHROPATHY AND DEAFNESS, X-LINKED; COL4A5-Related Nephropathy. Identifiers: Orphanet 63, Orphanet 88917, MedGen C4746986, MONDO:0010520, OMIM 301050.

Submissions (2):

Equipe Genetique des Anomalies du Developpement, Université de Bourgogne
Classification: Pathogenic for X-linked Alport syndrome. Last evaluated: 2025-07-31. Review status: criteria provided, single submitter. Criteria: ACMG Guidelines, 2015. Collection method: clinical testing. Allele origin: maternal. Affected: yes.
Comment: This is a hemizygous missense variant in the gene COL4A5. It affects a conserved glycine residue located within the collagenous domain of the COL4A5 protein. This variant is absent from the gnomAD v4.1.0 population database. In silico prediction tools support a deleterious effect, and the amino acid involved is highly conserved. It has been classified as pathogenic in the ClinVar database. Monoallelic pathogenic variants in COL4A5, particularly glycine substitutions within the collagenous domain, are a known cause of X-linked Alport syndrome type 1 (OMIM #301050). These types of variants represent the most frequently observed pathogenic changes in this gene (PMID: 39349776, 27627812). Based on current knowledge and available evidence, this variant is considered pathogenic (class 5, according to ACMG criteria).

GeneDx
Classification: Pathogenic. Last evaluated: 2022-08-19. Review status: criteria provided, single submitter. Criteria: GeneDx Variant Classification Process June 2021. Collection method: clinical testing. Allele origin: germline. Affected: yes.
Comment: Affects a glycine residue in a Gly-X-Y motif in the triple helical region of the COL4A5 gene, where the majority of pathogenic missense variants occur, and is predicted to disrupt normal protein folding and function (HGMD; Jais et al., 2000); Not observed at significant frequency in large population cohorts (gnomAD); In silico analysis supports that this missense variant has a deleterious effect on protein structure/function; This variant is associated with the following publications: (PMID: 11223851, 24077912, 10752524)

Literature cited by the submitters: PubMed 39349776 (cited by Equipe Genetique des Anomalies du Developpement, Université de Bourgogne); PubMed 27627812 (cited by Equipe Genetique des Anomalies du Developpement, Université de Bourgogne).